The following is an entry in ClinVar:

ClinVar aggregate classification (germline): Uncertain significance (1 of 4 stars; one submission).

gnomAD v4.1: 1 of 1,613,922 alleles (0.000062%); highest among the groups gnomAD compares: Non-Finnish European, 0.000085%; no homozygotes.

Submission:

Ambry Genetics
Classification: Uncertain significance. Last evaluated: 2025-12-22. Review status: criteria provided, single submitter. Criteria: Ambry Variant Classification Scheme 2023. Collection method: clinical testing. Allele origin: germline.
Comment: The p.T1546A variant (also known as c.4636A>G), located in coding exon 41 of the KIF1B gene, results from an A to G substitution at nucleotide position 4636. The threonine at codon 1546 is replaced by alanine, an amino acid with similar properties. This amino acid position is well conserved in available vertebrate species. In addition, the in silico prediction for this alteration is inconclusive. The evidence for this gene-disease relationship is limited; therefore, the clinical significance of this alteration is unclear.

NM_001365951.3(KIF1B):c.4774A>G (p.Thr1592Ala)

Gene: KIF1B (kinesin family member 1B; plus strand). Cytogenetic location: 1p36.22.
Variant type: single nucleotide variant.
Coding change: c.4774A>G on transcript NM_001365951.3 (MANE Select); coding-DNA position 4774, A replaced by G.
Protein change: p.Thr1592Ala; replaces threonine 1592 with alanine.
Molecular consequence: missense variant.
Genome position (GRCh38, 1-based): chr1:10,368,488, A>G. VCF-style: chr1-10368488-A-G. GRCh37 (hg19) VCF-style: chr1-10428546-A-G.
Other names: c.4774A>G, p.Thr1592Ala (NM_001365952.1); c.4636A>G, p.Thr1546Ala (NM_015074.3); short protein forms T1592A, T1546A.
Identifiers: ClinVar variation 2497097 (VCV002497097.3), dbSNP rs1229354433, ClinGen allele CA338324108.
Genomic context (GRCh38, chr1:10,368,488, plus strand): 5'-ATTTTATGTTCAGCTTGCACTTCTCTTTCTCTTCTTTAGTGCCTGCAACTTCTCACCCAC[A>G]CTTTCAACAGAGAATTCAGCCAGGTGCACGGCAGCGTCAGTGACTGTAAGGTGAGCACAT-3'
Protein context (NP_001352880.1, residues 1582-1602): ATKCLQLLTH[Thr1592Ala]FNREFSQVHG